The following is an entry in ClinVar:

ClinVar aggregate classification (germline): Pathogenic (1 of 4 stars; one submission).

Conditions:
RYR1-related disorder. Also called: RYR1-related condition; RYR1-related disorders. Identifiers: MedGen CN239331.

Submission:

Labcorp Genetics (formerly Invitae), Labcorp
Classification: Pathogenic for RYR1-related disorder. Last evaluated: 2022-07-19. Review status: criteria provided, single submitter. Criteria: Invitae Variant Classification Sherloc (09022015). Collection method: clinical testing. Allele origin: germline.
Comment: For these reasons, this variant has been classified as Pathogenic. ClinVar contains an entry for this variant (Variation ID: 1076444). This variant has not been reported in the literature in individuals affected with RYR1-related conditions. This variant is not present in population databases (gnomAD no frequency). This sequence change creates a premature translational stop signal (p.Gln4008*) in the RYR1 gene. It is expected to result in an absent or disrupted protein product. Loss-of-function variants in RYR1 are known to be pathogenic (PMID: 20583297, 20839240, 23919265, 28818389).

Literature cited by the submitters: PubMed 20583297; PubMed 20839240; PubMed 23919265; PubMed 28818389.

NM_000540.3(RYR1):c.12022C>T (p.Gln4008Ter)

Gene: RYR1 (ryanodine receptor 1; plus strand). Cytogenetic location: 19q13.2.
Variant type: single nucleotide variant.
Coding change: c.12022C>T on transcript NM_000540.3 (MANE Select); coding-DNA position 12022, C replaced by T.
Protein change: p.Gln4008Ter; replaces glutamine 4008 with a stop codon.
Molecular consequence: nonsense.
Genome position (GRCh38, 1-based): chr19:38,546,454, C>T. VCF-style: chr19-38546454-C-T. GRCh37 (hg19) VCF-style: chr19-39037094-C-T.
Other names: c.12007C>T, p.Gln4003Ter (NM_001042723.2); short protein forms Q4003*, Q4008*.
Identifiers: ClinVar variation 1076444 (VCV001076444.7), dbSNP rs2145784292, ClinGen allele CA405663761.